The following is an entry in ClinVar:

ClinVar aggregate classification (germline): Pathogenic. Review status: reviewed by expert panel (3 of 4 stars). 4 submissions from 4 submitters: Pathogenic (1). 3 of the submissions do not count toward it. Last evaluated 2017-12-15.

Conditions:
Hereditary breast ovarian cancer syndrome. Also called: Hereditary breast and ovarian cancer syndrome (HBOC); Hereditary breast and ovarian cancer syndrome; Hereditary breast and ovarian cancer; Hereditary breast and/or ovarian cancer syndrome; Breast and ovarian cancer; BRCA1- and BRCA2-Associated Hereditary Breast and Ovarian Cancer. Identifiers: Orphanet 145, MedGen C0677776, MeSH D061325, MONDO:0003582. Disease mechanism: loss of function.
Breast-ovarian cancer, familial, susceptibility to, 1 (BROVCA1). Also called: OVARIAN CANCER, SUSCEPTIBILITY TO; BRCA1 Hereditary Breast and Ovarian Cancer. Identifiers: Orphanet 145, MedGen C2676676, MONDO:0011450, OMIM 604370. Disease mechanism: loss of function.
Familial cancer of breast. Also called: Hereditary breast cancer; hereditary breast carcinoma; BREAST CANCER, FAMILIAL. Identifiers: Orphanet 227535, MedGen C0346153, MONDO:0016419, OMIM 114480. Disease mechanism: loss of function.

Submissions (4):

Evidence-based Network for the Interpretation of Germline Mutant Alleles (ENIGMA)
Classification: Pathogenic for Breast-ovarian cancer, familial, susceptibility to, 1. Last evaluated: 2017-12-15. Review status: reviewed by expert panel. Criteria: ENIGMA BRCA1/2 Classification Criteria (2017-06-29). Collection method: curation. Allele origin: germline. Study: ENIGMA.
Comment: Variant allele predicted to encode a truncated non-functional protein.

Labcorp Genetics (formerly Invitae), Labcorp
Classification: Pathogenic for Hereditary breast ovarian cancer syndrome. Last evaluated: 2023-09-06. Review status: criteria provided, single submitter. Criteria: Invitae Variant Classification Sherloc (09022015). Collection method: clinical testing. Allele origin: germline. Not counted in ClinVar's aggregate classification.
Comment: For these reasons, this variant has been classified as Pathogenic. ClinVar contains an entry for this variant (Variation ID: 54707). This premature translational stop signal has been observed in individual(s) with breast and ovarian cancer (PMID: 18097605). This variant is not present in population databases (gnomAD no frequency). This sequence change creates a premature translational stop signal (p.Phe958Argfs*11) in the BRCA1 gene. It is expected to result in an absent or disrupted protein product. Loss-of-function variants in BRCA1 are known to be pathogenic (PMID: 20104584).

Cancer Genomics Lab, PINUM Cancer Hospital
Classification: Pathogenic for Hereditary breast ovarian cancer syndrome. Last evaluated: 2023-03-30. Review status: no assertion criteria provided. Collection method: clinical testing. Allele origin: germline. Affected: yes. Not counted in ClinVar's aggregate classification.

ClinVar Staff, National Center for Biotechnology Information (NCBI)
No classification provided. Condition: Familial cancer of breast. Review status: no classification provided. Collection method: literature only. Allele origin: germline. Affected: yes. Not counted in ClinVar's aggregate classification.

Literature cited by the submitters: PubMed 18097605 (cited by 3 submitters); PubMed 20104584 (cited by Labcorp Genetics (formerly Invitae), Labcorp).

NM_007294.4(BRCA1):c.2872_2876del (p.Phe958fs)

Gene: BRCA1 (BRCA1 DNA repair associated; minus strand). Cytogenetic location: 17q21.31.
Variant type: Deletion.
Coding change: c.2872_2876del on transcript NM_007294.4 (MANE Select); coding-DNA positions 2872 to 2876, 5 bases deleted (TTCAG; older notation c.2872_2876delTTCAG).
Protein change: p.Phe958fs; shifts the reading frame from phenylalanine 958.
Molecular consequence: frameshift variant. On other transcripts: intron variant (137).
Genome position (GRCh38, 1-based): chr17:43,092,655-43,092,659, CTGAA deleted on the plus strand (TTCAG on the coding strand, the reverse complement: BRCA1 is on the minus strand); deleting any 5 consecutive bases within chr17:43,092,655-43,092,663 gives the same sequence; the c. name uses the placement nearest the transcript's 3' end. VCF-style (leftmost placement, unchanged base first): chr17-43092654-TCTGAA-T. GRCh37 (hg19) VCF-style: chr17-41244671-TCTGAA-T.
Other names: c.2872_2876delTTCAG (NM_007294.3); c.2659_2663del, p.Phe887fs (NM_001407571.1, NM_001407853.1, NM_001407894.1 and 9 more transcripts); c.2872_2876del, p.Phe958fs (NM_001407581.1, NM_001407582.1, NM_001407583.1 and 30 more transcripts); c.2869_2873del, p.Phe957fs (NM_001407587.1, NM_001407590.1, NM_001407591.1 and 22 more transcripts); c.2863_2867del, p.Phe955fs (NM_001407646.1, NM_001407647.1); c.2749_2753del, p.Phe917fs (NM_001407648.1, NM_001407664.1, NM_001407665.1 and 19 more transcripts); c.2746_2750del, p.Phe916fs (NM_001407649.1, NM_001407670.1, NM_001407671.1 and 11 more transcripts); c.2794_2798del, p.Phe932fs (NM_001407653.1, NM_001407654.1, NM_001407655.1 and 4 more transcripts); and 42 more; short protein forms F911fs, F958fs, F790fs, F831fs, F887fs, F916fs, F917fs, F957fs.
Identifiers: ClinVar variation 54707 (VCV000054707.14), dbSNP rs397509021, ClinGen allele CA001873.